The following is an entry in ClinVar:

ClinVar aggregate classification (germline): Uncertain significance (1 of 4 stars; one submission).

Allele frequency attached by ClinVar (database versions not stated): TOPMed below 0.00001.

Submission:

Labcorp Genetics (formerly Invitae), Labcorp
Classification: Uncertain significance. Last evaluated: 2024-01-21. Review status: criteria provided, single submitter. Criteria: Invitae Variant Classification Sherloc (09022015). Collection method: clinical testing. Allele origin: germline.
Comment: This sequence change replaces isoleucine, which is neutral and non-polar, with leucine, which is neutral and non-polar, at codon 635 of the FBXO11 protein (p.Ile635Leu). This variant is not present in population databases (gnomAD no frequency). This variant has not been reported in the literature in individuals affected with FBXO11-related conditions. An algorithm developed to predict the effect of missense changes on protein structure and function (PolyPhen-2) suggests that this variant is likely to be disruptive. In summary, the available evidence is currently insufficient to determine the role of this variant in disease. Therefore, it has been classified as a Variant of Uncertain Significance.

NM_001190274.2(FBXO11):c.1903A>C (p.Ile635Leu)

Gene: FBXO11 (F-box protein 11; minus strand). Cytogenetic location: 2p16.3.
Variant type: single nucleotide variant.
Coding change: c.1903A>C on transcript NM_001190274.2 (MANE Select); coding-DNA position 1903, A replaced by C.
Protein change: p.Ile635Leu; replaces isoleucine 635 with leucine.
Molecular consequence: missense variant.
Genome position (GRCh38, 1-based): chr2:47,818,973, T>G on the plus strand (A>C on the coding strand, the complement: FBXO11 is on the minus strand). VCF-style: chr2-47818973-T-G. GRCh37 (hg19) VCF-style: chr2-48046112-T-G.
Other names: c.1651A>C, p.Ile551Leu (NM_001374325.1, NM_025133.4); short protein forms I551L, I635L.
Identifiers: ClinVar variation 2867639 (VCV002867639.3), dbSNP rs1671194209, ClinGen allele CA346763947.